The following is an entry in ClinVar:

ClinVar aggregate classification (germline): Uncertain significance (1 of 4 stars; one submission).

Conditions:
DICER1-related tumor predisposition. Also called: DICER1 syndrome; DICER1-related pleuropulmonary blastoma cancer predisposition syndrome. Identifiers: Orphanet 284343, MedGen C3839822, MONDO:0100216.

Submission:

Labcorp Genetics (formerly Invitae), Labcorp
Classification: Uncertain significance for DICER1-related tumor predisposition. Last evaluated: 2023-08-03. Review status: criteria provided, single submitter. Criteria: Invitae Variant Classification Sherloc (09022015). Collection method: clinical testing. Allele origin: germline.
Comment: This variant is not present in population databases (gnomAD no frequency). This variant has not been reported in the literature in individuals affected with DICER1-related conditions. An algorithm developed to predict the effect of missense changes on protein structure and function (PolyPhen-2) suggests that this variant is likely to be disruptive. In summary, the available evidence is currently insufficient to determine the role of this variant in disease. Therefore, it has been classified as a Variant of Uncertain Significance. This sequence change replaces threonine, which is neutral and polar, with serine, which is neutral and polar, at codon 18 of the DICER1 protein (p.Thr18Ser).

NM_177438.3(DICER1):c.52A>T (p.Thr18Ser)

Gene: DICER1 (dicer 1, ribonuclease III; minus strand). Cytogenetic location: 14q32.13.
Variant type: single nucleotide variant.
Coding change: c.52A>T on transcript NM_177438.3 (MANE Select); coding-DNA position 52, A replaced by T.
Protein change: p.Thr18Ser; replaces threonine 18 with serine.
Molecular consequence: missense variant. On other transcripts: non-coding transcript variant (6), intron variant (1), 5 prime UTR variant (8).
Genome position (GRCh38, 1-based): chr14:95,133,407, T>A on the plus strand (A>T on the coding strand, the complement: DICER1 is on the minus strand). VCF-style: chr14-95133407-T-A. GRCh37 (hg19) VCF-style: chr14-95599744-T-A.
Other names: c.52A>T, p.Thr18Ser (NM_030621.4, NM_001195573.1, NM_001271282.3 and 15 more transcripts); c.-130-730A>T (NM_001395687.1); c.-223A>T (NM_001395686.1, NM_001395688.1, NM_001395689.1 and 3 more transcripts); c.-407A>T (NM_001395691.1); c.-1517A>T (NM_001395697.1); short protein forms T18S.
Identifiers: ClinVar variation 2749858 (VCV002749858.3), dbSNP rs2140296215, ClinGen allele CA390890667.
Genomic context (GRCh38, chr14:95,133,407, plus strand): 5'-GAATTGCTTCTTGTTGCCATGGCAGTCCAAAGAAAGGACCCATTGGTGAGGAAGCAGGGG[T>A]CATGAGCTGCAGGCCTGCCATGCTGAGGGGTTGCAAAGCAGGGCTTTTCATTCATCCAGT-3'
Protein context (NP_803187.1, residues 8-28): PLSMAGLQLM[Thr18Ser]PASSPMGPFF